The following is an entry in ClinVar:

NM_001042681.2(RERE):c.3885C>T (p.Val1295=)

Gene: RERE (arginine-glutamic acid dipeptide repeats; minus strand). Cytogenetic location: 1p36.23.
Variant type: single nucleotide variant.
Coding change: c.3885C>T on transcript NM_001042681.2 (MANE Select); coding-DNA position 3885, C replaced by T.
Protein change: p.Val1295=; no amino-acid change (valine 1295 retained).
Molecular consequence: synonymous variant.
Genome position (GRCh38, 1-based): chr1:8,358,650, G>A on the plus strand (C>T on the coding strand, the complement: RERE is on the minus strand). VCF-style: chr1-8358650-G-A. GRCh37 (hg19) VCF-style: chr1-8418710-G-A.
Other names: c.2223C>T, p.Val741= (NM_001042682.2); c.3885C>T, p.Val1295= (NM_012102.4).
Identifiers: ClinVar variation 73941 (VCV000073941.13), dbSNP rs115986998, ClinGen allele CA570964.

ClinVar aggregate classification (germline): Benign. Review status: criteria provided, multiple submitters, no conflicts (2 of 4 stars). 3 submissions from 3 submitters: Benign (2). 1 of the submissions does not count toward it. Last evaluated 2026-01-28.

Conditions:
RERE-related disorder. Also called: RERE-Related Disorders; RERE-related condition. Identifiers: MedGen CN381537.

Allele frequency attached by ClinVar (database versions not stated): gnomAD exomes 0.00153 and 0.00454; ExAC 0.00539; 1000 Genomes Project 30x 0.01624; 1000 Genomes Project 0.01657; gnomAD 0.01730 and 0.01882; ESP Exome Variant Server 0.01753; TOPMed 0.01900.
gnomAD v4.1: 4,918 of 1,584,474 alleles (0.31%); highest among the groups gnomAD compares: African/African-American, 6%; 163 homozygotes.

Submissions (3):

Labcorp Genetics (formerly Invitae), Labcorp
Classification: Benign. Last evaluated: 2026-01-28. Review status: criteria provided, single submitter. Criteria: Invitae Variant Classification Sherloc (09022015). Collection method: clinical testing. Allele origin: germline.

Breakthrough Genomics
Classification: Benign. Review status: criteria provided, single submitter. Criteria: ACMG Guidelines, 2015. Collection method: not provided. Allele origin: germline. Inheritance: Autosomal dominant inheritance. Affected: yes.

PreventionGenetics, part of Exact Sciences
Classification: Benign for RERE-related condition. Last evaluated: 2019-12-20. Review status: no assertion criteria provided. Collection method: clinical testing. Allele origin: germline. Not counted in ClinVar's aggregate classification.
Comment: This variant is classified as benign based on ACMG/AMP sequence variant interpretation guidelines (Richards et al. 2015 PMID: 25741868, with internal and published modifications).